The following is an entry in ClinVar:

ClinVar aggregate classification (germline): Likely pathogenic (1 of 4 stars; one submission).

Conditions:
Niemann-Pick disease, type C1. Also called: NIEMANN-PICK DISEASE, VARIANT TYPE C1; NEUROVISCERAL STORAGE DISEASE WITH VERTICAL SUPRANUCLEAR OPHTHALMOPLEGIA; NIEMANN-PICK DISEASE WITH CHOLESTEROL ESTERIFICATION BLOCK; NIEMANN-PICK DISEASE WITHOUT SPHINGOMYELINASE DEFICIENCY; NIEMANN-PICK DISEASE, CHRONIC NEURONOPATHIC FORM. Identifiers: Orphanet 646, MedGen C3179455, MONDO:0009757, OMIM 257220.

Submission:

Foundation for Research in Genetics and Endocrinology, FRIGE's Institute of Human Genetics
Classification: Likely pathogenic for Niemann-Pick disease, type C1. Last evaluated: 2025-12-30. Review status: criteria provided, single submitter. Criteria: ACMG Guidelines, 2015. Collection method: clinical testing. Allele origin: germline. Inheritance: Autosomal recessive inheritance. Affected: yes. Observed: 1 homozygote.
Comment: A homozygous 3’splice site variation in intron 8 of the NPC1 gene that affects the invariant AG acceptor splice site downstream of exon 8 was detected. The observed variant c.1326+1G>A has not been reported in the 1000 genomes and gnomAD databases. The in-silico prediction of the variant is deleterious by MutationTaster2, DANN and SpliceAI. In summary, the variant meets our criteria to be classified as likely pathogenic.

NM_000271.5(NPC1):c.1326+1G>A

Gene: NPC1 (NPC intracellular cholesterol transporter 1; minus strand). Cytogenetic location: 18q11.2.
Variant type: single nucleotide variant.
Coding change: c.1326+1G>A on transcript NM_000271.5 (MANE Select); the canonical splice donor site of the intron after coding-DNA position 1326, G replaced by A.
Molecular consequence: splice donor variant.
Genome position (GRCh38, 1-based): chr18:23,556,242, C>T on the plus strand (G>A on the coding strand, the complement: NPC1 is on the minus strand). VCF-style: chr18-23556242-C-T. GRCh37 (hg19) VCF-style: chr18-21136206-C-T.
Identifiers: ClinVar variation 4755394 (VCV004755394.1).